The following is an entry in ClinVar:

ClinVar aggregate classification (germline): Uncertain significance (1 of 4 stars; one submission).

Allele frequency attached by ClinVar (database versions not stated): gnomAD 0.00001; ExAC 0.00002; gnomAD exomes 0.00001; TOPMed 0.00004.
gnomAD v4.1: 5 of 1,614,010 alleles (0.00031%); highest among the groups gnomAD compares: East Asian, 0.011%; no homozygotes.

Submission:

Labcorp Genetics (formerly Invitae), Labcorp
Classification: Uncertain significance. Last evaluated: 2025-07-16. Review status: criteria provided, single submitter. Criteria: Invitae Variant Classification Sherloc (09022015). Collection method: clinical testing. Allele origin: germline.
Comment: This sequence change replaces threonine, which is neutral and polar, with isoleucine, which is neutral and non-polar, at codon 352 of the RP1 protein (p.Thr352Ile). This variant is present in population databases (rs757698020, gnomAD 0.03%). This variant has not been reported in the literature in individuals affected with RP1-related conditions. ClinVar contains an entry for this variant (Variation ID: 1953858). An algorithm developed to predict the effect of missense changes on protein structure and function (PolyPhen-2) suggests that this variant is likely to be disruptive. In summary, the available evidence is currently insufficient to determine the role of this variant in disease. Therefore, it has been classified as a Variant of Uncertain Significance.

NM_006269.2(RP1):c.1055C>T (p.Thr352Ile)

Gene: RP1 (RP1 axonemal microtubule associated; plus strand). Cytogenetic location: 8q12.1.
Variant type: single nucleotide variant.
Coding change: c.1055C>T on transcript NM_006269.2 (MANE Select); coding-DNA position 1055, C replaced by T.
Protein change: p.Thr352Ile; replaces threonine 352 with isoleucine.
Molecular consequence: missense variant. On other transcripts: intron variant (1).
Genome position (GRCh38, 1-based): chr8:54,624,937, C>T. VCF-style: chr8-54624937-C-T. GRCh37 (hg19) VCF-style: chr8-55537497-C-T.
Other names: c.787+2649C>T (NM_001375654.1); short protein forms T352I.
Identifiers: ClinVar variation 1953858 (VCV001953858.5), dbSNP rs757698020, ClinGen allele CA4751311.